The following is an entry in ClinVar:

NM_001166108.2(PALLD):c.2801C>T (p.Pro934Leu)

Genes: CBR4 (carbonyl reductase 4; minus strand), PALLD (palladin, cytoskeletal associated protein; plus strand). Cytogenetic location: 4q32.3.
Variant type: single nucleotide variant.
Coding change: c.2801C>T on transcript NM_001166108.2 (MANE Select); coding-DNA position 2801, C replaced by T.
Protein change: p.Pro934Leu; replaces proline 934 with leucine.
Molecular consequence: missense variant.
Genome position (GRCh38, 1-based): chr4:168,915,978, C>T. VCF-style: chr4-168915978-C-T. GRCh37 (hg19) VCF-style: chr4-169837129-C-T.
Other names: c.2750C>T (NM_016081.3); c.1604C>T, p.Pro535Leu (NM_001166109.2); c.1289C>T, p.Pro430Leu (NM_001166110.2); c.629C>T, p.Pro210Leu (NM_001367567.1, NM_001367569.1); c.680C>T, p.Pro227Leu (NM_001367568.1, NM_001367570.1); c.2750C>T, p.Pro917Leu (NM_016081.4); short protein forms P210L, P227L, P430L, P917L, P934L, P535L.
Identifiers: ClinVar variation 845485 (VCV000845485.12), dbSNP rs756934356, ClinGen allele CA3135962.

ClinVar aggregate classification (germline): Uncertain significance. Review status: criteria provided, multiple submitters, no conflicts (2 of 4 stars). 3 submissions from 3 submitters: Uncertain significance (3). Last evaluated 2023-03-02.

Conditions:
Pancreatic adenocarcinoma. Identifiers: MedGen C0281361, MONDO:0006047, HP:0006725.
PALLD-related disorder. Also called: PALLD-related condition.

Allele frequency attached by ClinVar (database versions not stated): ExAC 0.00001; gnomAD exomes 0.00001 and 0.00002; TOPMed 0.00001; gnomAD 0.00002.
gnomAD v4.1: 14 of 1,613,626 alleles (0.00087%); highest among the groups gnomAD compares: Non-Finnish European, 0.0012%; no homozygotes.

Submissions (3):

Labcorp Genetics (formerly Invitae), Labcorp
Classification: Uncertain significance for Pancreatic adenocarcinoma. Last evaluated: 2023-03-02. Review status: criteria provided, single submitter. Criteria: Invitae Variant Classification Sherloc (09022015). Collection method: clinical testing. Allele origin: germline.
Comment: This sequence change replaces proline, which is neutral and non-polar, with leucine, which is neutral and non-polar, at codon 430 of the PALLD protein (p.Pro430Leu). This variant is present in population databases (rs756934356, gnomAD 0.004%). In summary, the available evidence is currently insufficient to determine the role of this variant in disease. Therefore, it has been classified as a Variant of Uncertain Significance. An algorithm developed to predict the effect of missense changes on protein structure and function (PolyPhen-2) suggests that this variant is likely to be tolerated. ClinVar contains an entry for this variant (Variation ID: 845485). This variant has not been reported in the literature in individuals affected with PALLD-related conditions.

Ambry Genetics
Classification: Uncertain significance. Last evaluated: 2022-12-08. Review status: criteria provided, single submitter. Criteria: Ambry Variant Classification Scheme 2023. Collection method: clinical testing. Allele origin: germline.
Comment: The p.P917L variant (also known as c.2750C>T), located in coding exon 15 of the PALLD gene, results from a C to T substitution at nucleotide position 2750. The proline at codon 917 is replaced by leucine, an amino acid with similar properties. This amino acid position is conserved. In addition, this alteration is predicted to be deleterious by in silico analysis. Since supporting evidence is limited at this time, the clinical significance of this alteration remains unclear.

PreventionGenetics, part of Exact Sciences
Classification: Uncertain significance for PALLD-related condition. Last evaluated: 2022-11-10. Review status: criteria provided, single submitter. Criteria: ACMG Guidelines, 2015. Collection method: clinical testing. Allele origin: germline.
Comment: The PALLD c.2750C>T variant is predicted to result in the amino acid substitution p.Pro917Leu. To our knowledge, this variant has not been reported in the literature. This variant is reported in 0.0047% of alleles in individuals of European (Non-Finnish) descent in gnomAD and interpreted as a variant of uncertain significance in ClinVar. At this time, the clinical significance of this variant is uncertain due to the absence of conclusive functional and genetic evidence.